The following is an entry in ClinVar:

ClinVar aggregate classification (germline): Uncertain significance (1 of 4 stars; one submission).

Conditions:
Cardiovascular phenotype. Identifiers: MedGen CN230736.

Submission:

Ambry Genetics
Classification: Uncertain significance for Cardiovascular phenotype. Last evaluated: 2021-01-29. Review status: criteria provided, single submitter. Criteria: Ambry Variant Classification Scheme 2023. Collection method: clinical testing. Allele origin: germline.
Comment: The p.D240H variant (also known as c.718G>C), located in coding exon 5 of the LDB3 gene, results from a G to C substitution at nucleotide position 718. The aspartic acid at codon 240 is replaced by histidine, an amino acid with similar properties. This amino acid position is highly conserved in available vertebrate species. In addition, this alteration is predicted to be deleterious by in silico analysis. Since supporting evidence is limited at this time, the clinical significance of this alteration remains unclear.

NM_007078.3(LDB3):c.718G>C (p.Asp240His)

Gene: LDB3 (LIM domain binding 3; plus strand). Cytogenetic location: 10q23.2.
Variant type: single nucleotide variant.
Coding change: c.718G>C on transcript NM_007078.3 (MANE Select); coding-DNA position 718, G replaced by C.
Protein change: p.Asp240His; replaces aspartic acid 240 with histidine.
Molecular consequence: missense variant.
Genome position (GRCh38, 1-based): chr10:86,691,924, G>C. VCF-style: chr10-86691924-G-C. GRCh37 (hg19) VCF-style: chr10-88451681-G-C.
Other names: c.577G>C, p.Asp193His (NM_001080114.2, NM_001080116.1, NM_001368066.1 and 2 more transcripts); c.718G>C, p.Asp240His (NM_001080115.2, NM_001368063.1, NM_001368064.1 and 1 more transcripts); c.922G>C, p.Asp308His (NM_001171610.2, NM_001171611.2); short protein forms D240H, D193H, D308H.
Identifiers: ClinVar variation 1757587 (VCV001757587.2), dbSNP rs959113234, ClinGen allele CA211184908.